The following is an entry in ClinVar:

NM_004519.4(KCNQ3):c.2350C>T (p.Arg784Ter)

Gene: KCNQ3 (potassium voltage-gated channel subfamily Q member 3; minus strand). Cytogenetic location: 8q24.22.
Variant type: single nucleotide variant.
Coding change: c.2350C>T on transcript NM_004519.4 (MANE Select); coding-DNA position 2350, C replaced by T.
Protein change: p.Arg784Ter; replaces arginine 784 with a stop codon.
Molecular consequence: nonsense.
Genome position (GRCh38, 1-based): chr8:132,129,531, G>A on the plus strand (C>T on the coding strand, the complement: KCNQ3 is on the minus strand). VCF-style: chr8-132129531-G-A. GRCh37 (hg19) VCF-style: chr8-133141778-G-A.
Other names: c.1990C>T, p.Arg664Ter (NM_001204824.2); short protein forms R664*, R784*.
Identifiers: ClinVar variation 3343683 (VCV003343683.1).
Genomic context (GRCh38, chr8:132,129,531, plus strand): 5'-GAGACCTCTCCAGCTCCTCGTGGTTGACCGACATCAGGGACAGAGGTGTGTCACTGTCTC[G>A]CGTGATGCTACGTCTCTGCCGGGGGGAGATTCGGTCCGAGTAGGGGCCCTGCAGGTCAGC-3'

ClinVar aggregate classification (germline): Uncertain significance (1 of 4 stars; one submission).

gnomAD v4.1: 1 of 1,614,218 alleles (0.000062%); highest among the groups gnomAD compares: Non-Finnish European, 0.000085%; no homozygotes.

Submission:

GeneDx
Classification: Uncertain significance. Last evaluated: 2023-05-30. Review status: criteria provided, single submitter. Criteria: GeneDx Variant Classification Process June 2021. Collection method: clinical testing. Allele origin: germline. Affected: yes.
Comment: Not observed at significant frequency in large population cohorts (gnomAD); Nonsense variant predicted to result in protein truncation as the last 89 amino acids are lost, although gain-of-function variants have been reported downstream of this position in the protein; Has not been previously published as pathogenic or benign to our knowledge